The following is an entry in ClinVar:

ClinVar aggregate classification (germline): Uncertain significance (1 of 4 stars; one submission).

Conditions:
Baller-Gerold syndrome (BGS). Also called: CRANIOSYNOSTOSIS WITH RADIAL DEFECTS. Identifiers: Orphanet 1225, MedGen C0265308, MONDO:0009039, OMIM 218600.

Submission:

Labcorp Genetics (formerly Invitae), Labcorp
Classification: Uncertain significance for Baller-Gerold syndrome. Last evaluated: 2016-08-25. Review status: criteria provided, single submitter. Criteria: Invitae Variant Classification Sherloc (09022015). Collection method: clinical testing. Allele origin: germline.
Comment: Algorithms developed to predict the effect of missense changes on protein structure and function (SIFT, PolyPhen-2, Align-GVGD) all suggest that this variant is likely to be disruptive, but these predictions have not been confirmed by published functional studies. In summary, this variant is a novel missense change with uncertain impact on protein function. It has been classified as a Variant of Uncertain Significance. This sequence change replaces leucine with proline at codon 1055 of the RECQL4 protein (p.Leu1055Pro). The leucine residue is highly conserved and there is a moderate physicochemical difference between leucine and proline. This variant is not present in population databases (ExAC no frequency) and has not been reported in the literature in individuals with a RECQL4-related disease.

NM_004260.4(RECQL4):c.3164T>C (p.Leu1055Pro)

Gene: RECQL4 (RecQ like helicase 4; minus strand). Cytogenetic location: 8q24.3.
Variant type: single nucleotide variant.
Coding change: c.3164T>C on transcript NM_004260.4 (MANE Select); coding-DNA position 3164, T replaced by C.
Protein change: p.Leu1055Pro; replaces leucine 1055 with proline.
Molecular consequence: missense variant.
Genome position (GRCh38, 1-based): chr8:144,512,216, A>G on the plus strand (T>C on the coding strand, the complement: RECQL4 is on the minus strand). VCF-style: chr8-144512216-A-G. GRCh37 (hg19) VCF-style: chr8-145737599-A-G.
Other names: short protein forms L1055P.
Identifiers: ClinVar variation 407018 (VCV000407018.3), dbSNP rs1060501380, ClinGen allele CA16612374.